The following is an entry in ClinVar:

ClinVar aggregate classification (germline): Likely benign (1 of 4 stars; one submission).

Submission:

CeGaT Center for Human Genetics Tuebingen
Classification: Likely benign. Last evaluated: 2026-03-01. Review status: criteria provided, single submitter. Criteria: CeGaT Center For Human Genetics Tuebingen Variant Classification Criteria Version 2. Collection method: clinical testing. Allele origin: germline. Affected: yes. Observed: 1 variant allele.
Comment: CAD: PM2:Supporting, BP4, BP7

NM_004341.5(CAD):c.2166G>C (p.Val722=)

Gene: CAD (carbamoyl-phosphate synthetase 2, aspartate transcarbamylase, and dihydroorotase; plus strand). Cytogenetic location: 2p23.3.
Variant type: single nucleotide variant.
Coding change: c.2166G>C on transcript NM_004341.5 (MANE Select); coding-DNA position 2166, G replaced by C.
Protein change: p.Val722=; no amino-acid change (valine 722 retained).
Molecular consequence: synonymous variant.
Genome position (GRCh38, 1-based): chr2:27,226,841, G>C. VCF-style: chr2-27226841-G-C. GRCh37 (hg19) VCF-style: chr2-27449709-G-C.
Other names: c.1977G>C, p.Val659= (NM_001306079.2).
Identifiers: ClinVar variation 4822092 (VCV004822092.4).